The following is an entry in ClinVar:

NM_001375567.1(FOCAD):c.3202A>G (p.Met1068Val)

Gene: FOCAD (focadhesin; plus strand). Cytogenetic location: 9p21.3.
Variant type: single nucleotide variant.
Coding change: c.3202A>G on transcript NM_001375567.1 (MANE Select); coding-DNA position 3202, A replaced by G.
Protein change: p.Met1068Val; replaces methionine 1068 with valine.
Molecular consequence: missense variant.
Genome position (GRCh38, 1-based): chr9:20,929,481, A>G. VCF-style: chr9-20929481-A-G. GRCh37 (hg19) VCF-style: chr9-20929480-A-G.
Other names: c.3202A>G (NM_017794.4); c.3097A>G, p.Met1033Val (NM_001375568.1, NM_001375570.1); c.3202A>G, p.Met1068Val (NM_017794.5); short protein forms M1033V, M1068V.
Identifiers: ClinVar variation 2249544 (VCV002249544.10), dbSNP rs146270106, ClinGen allele CA5007468.

ClinVar aggregate classification (germline): Conflicting classifications of pathogenicity. Review status: criteria provided, conflicting classifications (1 of 4 stars). 4 submissions from 4 submitters: Uncertain significance (3); Likely benign (1). Last evaluated 2026-09-01.

Conditions:
FOCAD-related disorder. Also called: FOCAD-related condition.
Inborn genetic diseases. Identifiers: MedGen C0950123, MeSH D030342.

Allele frequency attached by ClinVar (database versions not stated): 1000 Genomes Project 30x 0.00016; 1000 Genomes Project 0.00020; ExAC 0.00058; ESP Exome Variant Server 0.00062; TOPMed 0.00070; gnomAD 0.00085.

Submissions (4):

CeGaT Center for Human Genetics Tuebingen
Classification: Likely benign. Last evaluated: 2026-09-01. Review status: criteria provided, single submitter. Criteria: CeGaT Center For Human Genetics Tuebingen Variant Classification Criteria Version 2. Collection method: clinical testing. Allele origin: germline. Affected: yes. Observed: 1 variant allele.
Comment: FOCAD: BP4

PreventionGenetics, part of Exact Sciences
Classification: Uncertain significance for FOCAD-related condition. Last evaluated: 2026-04-28. Review status: criteria provided, single submitter. Criteria: ACMG Guidelines, 2015. Collection method: clinical testing. Allele origin: germline.
Comment: The FOCAD c.3202A>G variant is predicted to result in the amino acid substitution p.Met1068Val. To our knowledge, this variant has not been reported in the literature. This variant is reported in 0.11% of alleles in individuals of European (non-Finnish) descent in gnomAD, which may be too common to be causative. In ClinVar, this variant is interpreted as uncertain (Variation ID: 2249544). Although we suspect that this variant may be benign, at this time, the clinical significance of this variant is uncertain due to the absence of conclusive functional and genetic evidence.

Labcorp Genetics (formerly Invitae), Labcorp
Classification: Uncertain significance. Last evaluated: 2025-09-24. Review status: criteria provided, single submitter. Criteria: Invitae Variant Classification Sherloc (09022015). Collection method: clinical testing. Allele origin: germline.
Comment: This sequence change replaces methionine, which is neutral and non-polar, with valine, which is neutral and non-polar, at codon 1068 of the FOCAD protein (p.Met1068Val). This variant is present in population databases (rs146270106, gnomAD 0.1%), and has an allele count higher than expected for a pathogenic variant. This variant has not been reported in the literature in individuals affected with FOCAD-related conditions. ClinVar contains an entry for this variant (Variation ID: 2249544). Experimental studies and prediction algorithms are not available or were not evaluated, and the functional significance of this variant is currently unknown. In summary, the available evidence is currently insufficient to determine the role of this variant in disease. Therefore, it has been classified as a Variant of Uncertain Significance.

Ambry Genetics
Classification: Uncertain significance for Inborn genetic diseases. Last evaluated: 2021-08-02. Review status: criteria provided, single submitter. Criteria: Ambry Variant Classification Scheme 2023. Collection method: clinical testing. Allele origin: germline.